The following is an entry in ClinVar:

NM_001852.4(COL9A2):c.186+5G>T

Gene: COL9A2 (collagen type IX alpha 2 chain; minus strand). Cytogenetic location: 1p34.2.
Variant type: single nucleotide variant.
Coding change: c.186+5G>T on transcript NM_001852.4 (MANE Select); 5 bases into the intron after coding-DNA position 186, G replaced by T.
Molecular consequence: intron variant.
Genome position (GRCh38, 1-based): chr1:40,314,347, C>A on the plus strand (G>T on the coding strand, the complement: COL9A2 is on the minus strand). VCF-style: chr1-40314347-C-A. GRCh37 (hg19) VCF-style: chr1-40780019-C-A.
Identifiers: ClinVar variation 4813074 (VCV004813074.1).

ClinVar aggregate classification (germline): Likely pathogenic (1 of 4 stars; one submission).

Conditions:
Epiphyseal dysplasia, multiple, 2 (EDM2). Also called: COL9A2-Related Multiple Epiphyseal Dysplasia. Identifiers: MedGen C1838429, MONDO:0010844, OMIM 600204.

Submission:

Variantyx, Inc.
Classification: Likely pathogenic for Epiphyseal dysplasia, multiple, 2. Last evaluated: 2025-10-03. Review status: criteria provided, single submitter. Criteria: Variantyx Assertion Criteria 2022. Collection method: clinical testing. Allele origin: de novo. Inheritance: Autosomal dominant inheritance. Affected: yes.
Comment: This is an intronic variant in the COL9A2 gene (OMIM: 120260). Pathogenic variants in this gene have been associated with autosomal dominant multiple epiphyseal dysplasia 2. Multiple alternate changes at the same splice region (c.186+5G>C, c.186+2T>A, c.186+2T>C, c.186+1G>A) have been previously reported as pathogenic (PMID: 10364514, 8528240, 20358595, 16199547, 21965141) (PS1). Algorithms that predict the potential impact of sequence variants on RNA splicing suggest that this variant may disrupt normal splicing (PP3). This variant is absent from control populations (PM2 and it has not been reported in individuals with COL9A2-related disorders in the databases available for review. Based on the current evidence, this variant is classified as likely pathogenic for autosomal dominant multiple epiphyseal dysplasia 2.

Literature cited by the submitters: PubMed 10364514; PubMed 8528240; PubMed 20358595; PubMed 16199547; PubMed 21965141.